The following is an entry in ClinVar:

ClinVar aggregate classification (germline): Conflicting classifications of pathogenicity. Review status: criteria provided, conflicting classifications (1 of 4 stars). 2 submissions from 2 submitters: Likely pathogenic (1); Uncertain significance (1). Last evaluated 2026-05-28.

Conditions:
Spinocerebellar ataxia type 5 (SCA5). Identifiers: Orphanet 98766, MedGen C0752123, MONDO:0010848, OMIM 600224.

Submissions (2):

EVOGEN
Classification: Likely pathogenic for Spinocerebellar ataxia type 5. Last evaluated: 2026-05-28. Review status: criteria provided, single submitter. Criteria: ACMG Guidelines, 2015. Collection method: clinical testing. Allele origin: unknown. Inheritance: Autosomal dominant inheritance. Affected: yes.
Comment: PM1_Moderate: Hot-spot of length 17 amino-acids has 10 missense/in-frame variants (4 pathogenic variants, 6 uncertain variants, and no benign), which qualifies as moderate pathogenic. UniProt protein SPTN2_HUMAN domain 'Calponin-homology (CH) 1' has 38 missense/in-frame variants (7 pathogenic variants, 31 uncertain variants, and no benign), which qualifies as supporting pathogenic. UniProt protein SPTN2_HUMAN region of interest 'Actin-binding' has 95 missense/in-frame variants (13 pathogenic variants, 81 uncertain variants, and 1 benign variant), which qualifies as supporting pathogenic. PP3_Moderate: AlphaMissense = 0.999 is greater than 0.992 ⇒ strong pathogenic. Limiting strength to Moderate due to co-occurrence with other predictive evidence. PM2_Moderate: Variant not found in gnomAD genomes, good gnomAD genomes coverage = 30.6. Variant not found in gnomAD exomes, good gnomAD exomes coverage = 52.2.

DECIPHERD-UDD, Universidad del Desarrollo
Classification: Uncertain significance for Spinocerebellar ataxia type 5. Last evaluated: 2023-07-01. Review status: criteria provided, single submitter. Criteria: ACMG Guidelines, 2015. Collection method: research. Allele origin: de novo. Affected: yes.

Literature cited by the submitters: PubMed 38177409 (cited by DECIPHERD-UDD, Universidad del Desarrollo).

NM_006946.4(SPTBN2):c.185C>T (p.Thr62Ile)

Gene: SPTBN2 (spectrin beta, non-erythrocytic 2; minus strand). Cytogenetic location: 11q13.2.
Variant type: single nucleotide variant.
Coding change: c.185C>T on transcript NM_006946.4 (MANE Select); coding-DNA position 185, C replaced by T.
Protein change: p.Thr62Ile; replaces threonine 62 with isoleucine.
Molecular consequence: missense variant.
Genome position (GRCh38, 1-based): chr11:66,715,954, G>A on the plus strand (C>T on the coding strand, the complement: SPTBN2 is on the minus strand). VCF-style: chr11-66715954-G-A. GRCh37 (hg19) VCF-style: chr11-66483425-G-A.
Other names: c.206C>T, p.Thr69Ile (NM_001411025.1); short protein forms T62I, T69I.
Identifiers: ClinVar variation 2663769 (VCV002663769.3), dbSNP rs2135526299, ClinGen allele CA381484385.
Genomic context (GRCh38, chr11:66,715,954, plus strand): 5'-TACAGGTCCCCCACCCGGCACGTGACCCGGGCCAGGTGCGAGTTTACCCACTTGGTGAAG[G>A]TTTTCTTCTGCACAGCTTCTCGTTCATCTGTGGTGGCAACATGGGTTTATTTCTGTCCCT-3'
Protein context (NP_008877.2, residues 52-72): ADEREAVQKK[Thr62Ile]FTKWVNSHLA